The following is an entry in ClinVar:

ClinVar aggregate classification (germline): Uncertain significance (1 of 4 stars; one submission).

Conditions:
Neurofibromatosis, type 1 (NF1). Also called: NEUROFIBROMATOSIS, TYPE I, SOMATIC; VON RECKLINGHAUSEN DISEASE; Peripheral type neurofibromatosis; Neurofibromatosis, type I. Identifiers: Orphanet 636, MedGen C0027831, MONDO:0018975, OMIM 162200. Disease mechanism: loss of function.

Submission:

Labcorp Genetics (formerly Invitae), Labcorp
Classification: Uncertain significance for Neurofibromatosis, type 1. Last evaluated: 2021-12-30. Review status: criteria provided, single submitter. Criteria: Invitae Variant Classification Sherloc (09022015). Collection method: clinical testing. Allele origin: germline.
Comment: In summary, the available evidence is currently insufficient to determine the role of this variant in disease. Therefore, it has been classified as a Variant of Uncertain Significance. Advanced modeling of protein sequence and biophysical properties (such as structural, functional, and spatial information, amino acid conservation, physicochemical variation, residue mobility, and thermodynamic stability) performed at Invitae indicates that this missense variant is expected to disrupt NF1 protein function. This variant has not been reported in the literature in individuals affected with NF1-related conditions. This variant is not present in population databases (gnomAD no frequency). This sequence change replaces valine, which is neutral and non-polar, with glutamic acid, which is acidic and polar, at codon 961 of the NF1 protein (p.Val961Glu).

NM_001042492.3(NF1):c.2882T>A (p.Val961Glu)

Gene: NF1 (neurofibromin 1; plus strand). Cytogenetic location: 17q11.2.
Variant type: single nucleotide variant.
Coding change: c.2882T>A on transcript NM_001042492.3 (MANE Select); coding-DNA position 2882, T replaced by A.
Protein change: p.Val961Glu; replaces valine 961 with glutamic acid.
Molecular consequence: missense variant.
Genome position (GRCh38, 1-based): chr17:31,229,866, T>A. VCF-style: chr17-31229866-T-A. GRCh37 (hg19) VCF-style: chr17-29556884-T-A.
Other names: c.2882T>A, p.Val961Glu (NM_000267.4); short protein forms V961E.
Identifiers: ClinVar variation 2066092 (VCV002066092.4), dbSNP rs2508196749, ClinGen allele CA398986063.